The following is an entry in ClinVar:

ClinVar aggregate classification (germline): Pathogenic/Likely pathogenic. Review status: criteria provided, multiple submitters, no conflicts (2 of 4 stars). 2 submissions from 2 submitters: Pathogenic (1); Likely pathogenic (1). Last evaluated 2022-03-01.

Conditions:
Multiple epiphyseal dysplasia type 1. Also called: COMP-Related Multiple Epiphyseal Dysplasia. Identifiers: Orphanet 93308, MedGen C1838280, MONDO:0007561, OMIM 132400.

Submissions (2):

Labcorp Genetics (formerly Invitae), Labcorp
Classification: Pathogenic. Last evaluated: 2022-03-01. Review status: criteria provided, single submitter. Criteria: Invitae Variant Classification Sherloc (09022015). Collection method: clinical testing. Allele origin: germline.
Comment: For these reasons, this variant has been classified as Pathogenic. Advanced modeling of protein sequence and biophysical properties (such as structural, functional, and spatial information, amino acid conservation, physicochemical variation, residue mobility, and thermodynamic stability) performed at Invitae indicates that this missense variant is expected to disrupt COMP protein function. This missense change has been observed in individuals with multiple epiphyseal dysplasia (PMID: 15756302; Invitae). This variant is not present in population databases (gnomAD no frequency). This sequence change replaces asparagine, which is neutral and polar, with lysine, which is basic and polar, at codon 555 of the COMP protein (p.Asn555Lys).

MGZ Medical Genetics Center
Classification: Likely pathogenic for Multiple epiphyseal dysplasia type 1. Last evaluated: 2022-02-24. Review status: criteria provided, single submitter. Criteria: ACMG Guidelines, 2015. Collection method: clinical testing. Allele origin: germline. Affected: yes. Observed: 3 variant alleles.
Comment: ACMG criteria applied: PS4_MOD, PM1_SUP, PM2_SUP, PP1, PP3

Literature cited by the submitters: PubMed 15756302 (cited by Labcorp Genetics (formerly Invitae), Labcorp).

NM_000095.3(COMP):c.1665C>G (p.Asn555Lys)

Gene: COMP (cartilage oligomeric matrix protein; minus strand). Cytogenetic location: 19p13.11.
Variant type: single nucleotide variant.
Coding change: c.1665C>G on transcript NM_000095.3 (MANE Select); coding-DNA position 1665, C replaced by G.
Protein change: p.Asn555Lys; replaces asparagine 555 with lysine.
Molecular consequence: missense variant.
Genome position (GRCh38, 1-based): chr19:18,785,676, G>C on the plus strand (C>G on the coding strand, the complement: COMP is on the minus strand). VCF-style: chr19-18785676-G-C. GRCh37 (hg19) VCF-style: chr19-18896486-G-C.
Other names: short protein forms N555K.
Identifiers: ClinVar variation 1709017 (VCV001709017.7), dbSNP rs397515511, ClinGen allele CA404882077.